The following is an entry in ClinVar:

NM_005912.3(MC4R):c.508A>G (p.Ile170Val)

Gene: MC4R (melanocortin 4 receptor; minus strand). Cytogenetic location: 18q21.32.
Variant type: single nucleotide variant.
Coding change: c.508A>G on transcript NM_005912.3 (MANE Select); coding-DNA position 508, A replaced by G.
Protein change: p.Ile170Val; replaces isoleucine 170 with valine.
Molecular consequence: missense variant.
Genome position (GRCh38, 1-based): chr18:60,371,842, T>C on the plus strand (A>G on the coding strand, the complement: MC4R is on the minus strand). VCF-style: chr18-60371842-T-C. GRCh37 (hg19) VCF-style: chr18-58039075-T-C.
Other names: c.508A>G (NM_005912.2); short protein forms I170V.
Identifiers: ClinVar variation 14323 (VCV000014323.16), dbSNP rs121913560, ClinGen allele CA210716.

ClinVar aggregate classification (germline): Conflicting classifications of pathogenicity. Review status: criteria provided, conflicting classifications (1 of 4 stars). 10 submissions from 10 submitters: Pathogenic (1); Likely pathogenic (1); Uncertain significance (6). 2 of the submissions do not count toward it. Last evaluated 2026-05-24.

Conditions:
BODY MASS INDEX QUANTITATIVE TRAIT LOCUS 20 (BMIQ20). Also called: MELANOCORTIN 4 RECEPTOR DEFICIENCY; MC4R DEFICIENCY. Identifiers: MedGen C4759928, OMIM 618406.
MC4R-related disorder. Also called: MC4R-related condition.
Multiple congenital anomalies/dysmorphic syndrome-intellectual disability. Identifiers: Orphanet 102283, MedGen C5680372, MONDO:0015159.
Early onset severe obesity. Identifiers: MedGen C4013980.

Allele frequency attached by ClinVar (database versions not stated): gnomAD exomes 0.00008; gnomAD 0.00019 and 0.00016; TOPMed 0.00024; 1000 Genomes Project 0.00080; ExAC 0.00012; 1000 Genomes Project 30x 0.00062.
gnomAD v4.1: 170 of 1,614,136 alleles (0.011%); highest among the groups gnomAD compares: African/African-American, 0.097%; no homozygotes.

Submissions (10):

PreventionGenetics, part of Exact Sciences
Classification: Uncertain significance for MC4R-related condition. Last evaluated: 2026-05-24. Review status: criteria provided, single submitter. Criteria: ACMG Guidelines, 2015. Collection method: clinical testing. Allele origin: germline.
Comment: The MC4R c.508A>G variant is predicted to result in the amino acid substitution p.Ile170Val. This variant has been reported in several individuals with severe obesity; however, its role in pathogenesis has been controversial. It was originally described in two apparently unrelated patients with a BMI >30, and was found to marginally compromise receptor surface localization and function in vitro (Vaisse et al. 2000. PubMed ID: 10903341; Lubrano-Berthelier. 2006. PubMed ID: 16507637). A significant number of additional functional studies have shown that it imparts no change to cell surface expression, ligand binding, or cAMP signaling (see, for example, He. 2014. PubMed ID: 25332687; Tao et al. 2003. PubMed ID: 12959994). More recently, it has been reported in two siblings with severe early-onset obesity (Gad et al. 2024. PubMed ID: 38974580). It was found to be a common variant among South African individuals with obesity (2%; n=9;); however, a match control cohort was not included (Logan. 2016. PubMed ID: 26788538). This variant is reported in 0.048% of alleles in individuals of African descent in gnomAD. Taken together, at this time, the clinical significance of this variant is uncertain due to the absence of conclusive functional and genetic evidence.

GeneDx
Classification: Uncertain significance. Last evaluated: 2025-04-15. Review status: criteria provided, single submitter. Criteria: GeneDx Variant Classification Process June 2021. Collection method: clinical testing. Allele origin: germline. Affected: yes.
Comment: Functional studies show conflicting evidence regarding the potential damaging effect of this variant (PMID: 19011902, 12959994, 10903341, 12690102); In silico analysis indicates that this missense variant does not alter protein structure/function; This variant is associated with the following publications: (PMID: 31589614, 22995991, 10903341, 12959994, 12690102, 17628007, 16752916, 19011902, 18559663, 25332687, 26788538, 16507637, 31751304, 31980526, 29736023, 11487744, 38974580, 37329217, 35095762)

Cambridge Genomics Laboratory, East Genomic Laboratory Hub, NHS Genomic Medicine Service
Classification: Uncertain significance for Severe early-onset obesity. Last evaluated: 2025-02-10. Review status: criteria provided, single submitter. Criteria: ACGS Best Practice Guidelines for Variant Classification in Rare Disease 2020. Collection method: clinical testing. Allele origin: germline. Affected: yes.
Comment: PS3_Supporting,PS4_Moderate,PM2_Supporting

Labcorp Genetics (formerly Invitae), Labcorp
Classification: Uncertain significance. Last evaluated: 2024-11-05. Review status: criteria provided, single submitter. Criteria: Invitae Variant Classification Sherloc (09022015). Collection method: clinical testing. Allele origin: germline.
Comment: This sequence change replaces isoleucine, which is neutral and non-polar, with valine, which is neutral and non-polar, at codon 170 of the MC4R protein (p.Ile170Val). This variant is present in population databases (rs121913560, gnomAD 0.05%). This missense change has been observed in individual(s) with clinical features of MC4R-related obesity (PMID: 10903341, 11487744, 18559663, 19011902, 26788538, 31751304, 31980526). It has also been observed to segregate with disease in related individuals. ClinVar contains an entry for this variant (Variation ID: 14323). Invitae Evidence Modeling of protein sequence and biophysical properties (such as structural, functional, and spatial information, amino acid conservation, physicochemical variation, residue mobility, and thermodynamic stability) indicates that this missense variant is not expected to disrupt MC4R protein function with a negative predictive value of 80%. Experimental studies are conflicting or provide insufficient evidence to determine the effect of this variant on MC4R function (PMID: 10903341, 12690102, 12959994, 16752916, 19011902, 25332687, 29736023). In summary, the available evidence is currently insufficient to determine the role of this variant in disease. Therefore, it has been classified as a Variant of Uncertain Significance.

Genomic Medicine Center of Excellence, King Faisal Specialist Hospital and Research Centre
Classification: Uncertain significance for BODY MASS INDEX QUANTITATIVE TRAIT LOCUS 20. Last evaluated: 2024-04-04. Review status: criteria provided, single submitter. Criteria: ACMG Guidelines, 2015. Collection method: clinical testing. Allele origin: germline.

Baylor Genetics
Classification: Likely pathogenic for BODY MASS INDEX QUANTITATIVE TRAIT LOCUS 20. Last evaluated: 2023-11-11. Review status: criteria provided, single submitter. Criteria: ACMG Guidelines, 2015. Collection method: clinical testing. Allele origin: unknown.

AURAGEN, Plan France Médecine Génomique
Classification: Pathogenic for Multiple congenital anomalies/dysmorphic syndrome-intellectual disability. Last evaluated: 2022-03-28. Review status: criteria provided, single submitter. Criteria: PFMG2025 (Lancet Reg Health Eur. 2025). Collection method: clinical testing. Allele origin: germline. Affected: yes.

Blueprint Genetics
Classification: Uncertain significance. Last evaluated: 2021-12-16. Review status: criteria provided, single submitter. Criteria: ACMG Guidelines, 2015. Collection method: clinical testing. Allele origin: germline.

Imperial College London Diabetes Centre, Mubadala Healthcare
Classification: Pathogenic for BODY MASS INDEX QUANTITATIVE TRAIT LOCUS 20. Last evaluated: 2020-05-01. Review status: no assertion criteria provided. Collection method: clinical testing. Allele origin: unknown. Affected: yes. Observed: 1 variant allele. Not counted in ClinVar's aggregate classification.

OMIM
Classification: Pathogenic for OBESITY (BMIQ20). Last evaluated: 2001-08-01. Review status: no assertion criteria provided. Collection method: literature only. Allele origin: germline. Not counted in ClinVar's aggregate classification.

Literature cited by the submitters: PubMed 10903341 (cited by Labcorp Genetics (formerly Invitae), Labcorp); PubMed 11487744 (cited by Labcorp Genetics (formerly Invitae), Labcorp and OMIM); PubMed 18559663 (cited by Labcorp Genetics (formerly Invitae), Labcorp); PubMed 19011902 (cited by Labcorp Genetics (formerly Invitae), Labcorp); PubMed 26788538 (cited by Labcorp Genetics (formerly Invitae), Labcorp); PubMed 31751304 (cited by Labcorp Genetics (formerly Invitae), Labcorp); PubMed 31980526 (cited by Labcorp Genetics (formerly Invitae), Labcorp); PubMed 12690102 (cited by Labcorp Genetics (formerly Invitae), Labcorp); PubMed 12959994 (cited by Labcorp Genetics (formerly Invitae), Labcorp); PubMed 16752916 (cited by Labcorp Genetics (formerly Invitae), Labcorp); PubMed 25332687 (cited by Labcorp Genetics (formerly Invitae), Labcorp); PubMed 29736023 (cited by Labcorp Genetics (formerly Invitae), Labcorp).